The following is an entry in ClinVar:

ClinVar aggregate classification (germline): Uncertain significance (1 of 4 stars; one submission).

Submission:

Labcorp Genetics (formerly Invitae), Labcorp
Classification: Uncertain significance. Last evaluated: 2022-06-18. Review status: criteria provided, single submitter. Criteria: Invitae Variant Classification Sherloc (09022015). Collection method: clinical testing. Allele origin: germline.
Comment: In summary, the available evidence is currently insufficient to determine the role of this variant in disease. Therefore, it has been classified as a Variant of Uncertain Significance. Experimental studies and prediction algorithms are not available or were not evaluated, and the functional significance of this variant is currently unknown. This variant has not been reported in the literature in individuals affected with CFH-related conditions. This variant is not present in population databases (gnomAD no frequency). This sequence change creates a premature translational stop signal (p.Tyr1128Leufs*22) in the CFH gene. While this is not anticipated to result in nonsense mediated decay, it is expected to disrupt the last 104 amino acid(s) of the CFH protein.

NM_000186.4(CFH):c.3382_3385del (p.Tyr1128fs)

Gene: CFH (complement factor H; plus strand). Cytogenetic location: 1q31.3.
Variant type: Deletion.
Coding change: c.3382_3385del on transcript NM_000186.4 (MANE Select); coding-DNA positions 3382 to 3385, 4 bases deleted (TATG; older notation c.3382_3385delTATG).
Protein change: p.Tyr1128fs; shifts the reading frame from tyrosine 1128.
Molecular consequence: frameshift variant.
Genome position (GRCh38, 1-based): chr1:196,745,888-196,745,891, TATG deleted. VCF-style (leftmost placement, unchanged base first): chr1-196745887-ATATG-A. GRCh37 (hg19) VCF-style: chr1-196715017-ATATG-A.
Other names: short protein forms Y1128fs.
Identifiers: ClinVar variation 2129853 (VCV002129853.4), dbSNP rs2529557099, ClinGen allele CA2580061798.
Genomic context (GRCh38, chr1:196,745,887, plus strand): 5'-AAAATGTGGGCCCCCTCCACCTATTGACAATGGGGACATTACTTCATTCCCGTTGTCAGT[ATATG>A]CTCCAGCTTCATCAGTTGAGTACCAATGCCAGAACTTGTATCAACTTGAGGGTAACAAGC-3'